The following is an entry in ClinVar:

ClinVar aggregate classification (germline): Conflicting classifications of pathogenicity. Review status: criteria provided, conflicting classifications (1 of 4 stars). 5 submissions from 3 submitters: Uncertain significance (2); Benign (1); Likely benign (2). Last evaluated 2024-10-03.

Conditions:
Retinitis pigmentosa (RP). Identifiers: Orphanet 791, MedGen C0035334, MeSH D012174, MONDO:0019200, OMIM 268000. Inheritance: Autosomal dominant, autosomal recessive and X linked inheritance.
Leber congenital amaurosis 8 (LCA8). Identifiers: Orphanet 65, MedGen C3151202, MONDO:0013453, OMIM 613835.
Retinitis pigmentosa 12 (RP12). Also called: RP WITH OR WITHOUT PRESERVED PARAARTERIOLE RETINAL PIGMENT EPITHELIUM; RETINITIS PIGMENTOSA WITH OR WITHOUT PARAARTERIOLAR PRESERVATION OF RETINAL PIGMENT EPITHELIUM; RP WITH OR WITHOUT PPRPE. Identifiers: Orphanet 791, MedGen C1838647, MONDO:0010818, OMIM 600105.
Pigmented paravenous retinochoroidal atrophy. Identifiers: Orphanet 251295, MedGen C1868310, MONDO:0008246, OMIM 172870.

Allele frequency attached by ClinVar (database versions not stated): gnomAD exomes below 0.00001; gnomAD 0.00001 and 0.00008; TOPMed 0.00002; ExAC 0.00003; 1000 Genomes Project 30x 0.00047; 1000 Genomes Project 0.00060.
gnomAD v4.1: 220 of 1,459,450 alleles (0.015%); highest among the groups gnomAD compares: East Asian, 0.49%; 2 homozygotes.

Submissions (5):

Blueprint Genetics
Classification: Likely benign. Last evaluated: 2024-10-03. Review status: criteria provided, single submitter. Criteria: ACMG Guidelines, 2015. Collection method: clinical testing. Allele origin: germline.

Labcorp Genetics (formerly Invitae), Labcorp
Classification: Likely benign for Leber congenital amaurosis 8; Retinitis pigmentosa 12. Last evaluated: 2024-07-30. Review status: criteria provided, single submitter. Criteria: Invitae Variant Classification Sherloc (09022015). Collection method: clinical testing. Allele origin: germline.

Illumina Laboratory Services, Illumina
Classification: Benign for Pigmented paravenous retinochoroidal atrophy. Last evaluated: 2018-01-12. Review status: criteria provided, single submitter. Criteria: ICSL Variant Classification Criteria 13 December 2019. Collection method: clinical testing. Allele origin: germline.
Comment: This variant was observed in the ICSL laboratory as part of a predisposition screen in an ostensibly healthy population. It had not been previously curated by ICSL or reported in the Human Gene Mutation Database (HGMD: prior to June 1st, 2018), and was therefore a candidate for classification through an automated scoring system. Utilizing variant allele frequency, disease prevalence and penetrance estimates, and inheritance mode, an automated score was calculated to assess if this variant is too frequent to cause the disease. Based on the score and internal cut-off values, a variant classified as benign is not then subjected to further curation. The score for this variant resulted in a classification of benign for this disease.

Illumina Laboratory Services, Illumina
Classification: Uncertain significance for Retinitis pigmentosa. Last evaluated: 2018-01-12. Review status: criteria provided, single submitter. Criteria: ICSL Variant Classification Criteria 13 December 2019. Collection method: clinical testing. Allele origin: germline.

Illumina Laboratory Services, Illumina
Classification: Uncertain significance for Leber congenital amaurosis 8. Last evaluated: 2018-01-12. Review status: criteria provided, single submitter. Criteria: ICSL Variant Classification Criteria 13 December 2019. Collection method: clinical testing. Allele origin: germline.

NM_201253.3(CRB1):c.1172-12A>G

Gene: CRB1 (crumbs cell polarity complex component 1; plus strand). Cytogenetic location: 1q31.3.
Variant type: single nucleotide variant.
Coding change: c.1172-12A>G on transcript NM_201253.3 (MANE Select); 12 bases into the intron before coding-DNA position 1172, A replaced by G.
Molecular consequence: intron variant.
Genome position (GRCh38, 1-based): chr1:197,420,988, A>G. VCF-style: chr1-197420988-A-G. GRCh37 (hg19) VCF-style: chr1-197390118-A-G.
Other names: c.965-12A>G (NM_001257965.2); c.1172-12A>G (NM_001257966.2); c.836-12A>G (NM_001193640.2).
Identifiers: ClinVar variation 294670 (VCV000294670.10), dbSNP rs146175509, ClinGen allele CA1311875.
Genomic context (GRCh38, chr1:197,420,988, plus strand): 5'-AAGTAAATTACGTGAAACTTCTATTTTTGATGTGAATATATATAATTTTAGCCCTTTTTT[A>G]TTATTTAACAGGAATCCACTGCGAAGAAGACGTCAATGAATGTTCTTCAAACCCTTGCCA-3'